The following is an entry in ClinVar:

NM_138403.5(MYL10):c.369C>T (p.Asn123=)

Gene: MYL10 (myosin light chain 10; minus strand). Cytogenetic location: 7q22.1.
Variant type: single nucleotide variant.
Coding change: c.369C>T on transcript NM_138403.5 (MANE Select); coding-DNA position 369, C replaced by T.
Protein change: p.Asn123=; no amino-acid change (asparagine 123 retained).
Molecular consequence: synonymous variant.
Genome position (GRCh38, 1-based): chr7:101,622,181, G>A on the plus strand (C>T on the coding strand, the complement: MYL10 is on the minus strand). VCF-style: chr7-101622181-G-A. GRCh37 (hg19) VCF-style: chr7-101265461-G-A.
Identifiers: ClinVar variation 4533440 (VCV004533440.6).
Genomic context (GRCh38, chr7:101,622,181, plus strand): 5'-CAGGAACACCGTGAAGTTGATGGGTCCGGGGGCCTCCTTCACCATGGCCTCCAGTTCCTC[G>A]TTCTTGACATTGATGCGGCCTGTGGGAGGTGAGAGGTGGGGGCAGGGAGGATAAGAGAGA-3'
Protein context (NP_612412.2, residues 113-133): FAALGRINVK[Asn123=]EELEAMVKEA

ClinVar aggregate classification (germline): Likely benign (1 of 4 stars; one submission).

gnomAD v4.1: 1,168 of 1,613,078 alleles (0.072%); highest among the groups gnomAD compares: Middle Eastern, 0.35%; 4 homozygotes.

Submission:

CeGaT Center for Human Genetics Tuebingen
Classification: Likely benign. Last evaluated: 2025-11-01. Review status: criteria provided, single submitter. Criteria: CeGaT Center For Human Genetics Tuebingen Variant Classification Criteria Version 2. Collection method: clinical testing. Allele origin: germline. Affected: yes. Observed: 1 variant allele.
Comment: MYL10: BP4, BP7